The following is an entry in ClinVar:

ClinVar aggregate classification (germline): Uncertain significance (1 of 4 stars; one submission).

Conditions:
EPILEPSY, CHILDHOOD ABSENCE, SUSCEPTIBILITY TO, 2 (ECA2). Identifiers: Orphanet 64280, MedGen C1843244, OMIM 607681.
Febrile seizures, familial, 8 (FEB8). Also called: CONVULSIONS, FAMILIAL FEBRILE, 8. Identifiers: Orphanet 36387, MedGen C1969810, MONDO:0011891, OMIM 607681.

Submission:

Labcorp Genetics (formerly Invitae), Labcorp
Classification: Uncertain significance for Febrile seizures, familial, 8; EPILEPSY, CHILDHOOD ABSENCE, SUSCEPTIBILITY TO, 2. Last evaluated: 2019-02-04. Review status: criteria provided, single submitter. Criteria: Invitae Variant Classification Sherloc (09022015). Collection method: clinical testing. Allele origin: germline.
Comment: This sequence change replaces threonine with serine at codon 317 of the GABRG2 protein (p.Thr317Ser). The threonine residue is highly conserved and there is a small physicochemical difference between threonine and serine. This variant is not present in population databases (ExAC no frequency). This variant has not been reported in the literature in individuals with GABRG2-related conditions. Algorithms developed to predict the effect of missense changes on protein structure and function (SIFT, PolyPhen-2, Align-GVGD) all suggest that this variant is likely to be disruptive, but these predictions have not been confirmed by published functional studies and their clinical significance is uncertain. In summary, the available evidence is currently insufficient to determine the role of this variant in disease. Therefore, it has been classified as a Variant of Uncertain Significance. Algorithms developed to predict the effect of sequence changes on RNA splicing suggest that this variant may create or strengthen a splice site, but this prediction has not been confirmed by published transcriptional studies.

NM_198904.4(GABRG2):c.950C>G (p.Thr317Ser)

Gene: GABRG2 (gamma-aminobutyric acid type A receptor subunit gamma2; plus strand). Cytogenetic location: 5q34.
Variant type: single nucleotide variant.
Coding change: c.950C>G on transcript NM_198904.4 (MANE Select); coding-DNA position 950, C replaced by G.
Protein change: p.Thr317Ser; replaces threonine 317 with serine.
Molecular consequence: missense variant. On other transcripts: intron variant (1).
Genome position (GRCh38, 1-based): chr5:162,149,135, C>G. VCF-style: chr5-162149135-C-G. GRCh37 (hg19) VCF-style: chr5-161576141-C-G.
Other names: c.950C>G, p.Thr317Ser (NM_000816.3); c.941C>G, p.Thr314Ser (NM_001375339.1); c.947C>G, p.Thr316Ser (NM_001375341.1, NM_001375342.1); c.1070C>G, p.Thr357Ser (NM_001375343.1, NM_198903.2); c.989C>G, p.Thr330Ser (NM_001375344.1); c.884C>G, p.Thr295Ser (NM_001375345.1, NM_001375346.1); c.863C>G, p.Thr288Ser (NM_001375347.1); c.530C>G, p.Thr177Ser (NM_001375348.1, NM_001375350.1); and 2 more; short protein forms T295S, T316S, T330S, T357S, T288S, T314S, T177S, T222S.
Identifiers: ClinVar variation 836724 (VCV000836724.10), dbSNP rs1765173859, ClinGen allele CA362182352.